The following is an entry in ClinVar:

ClinVar aggregate classification (germline): Uncertain significance. Review status: criteria provided, multiple submitters, no conflicts (2 of 4 stars). 2 submissions from 2 submitters: Uncertain significance (2). Last evaluated 2024-12-31.

Conditions:
Inborn genetic diseases. Identifiers: MedGen C0950123, MeSH D030342.
Pitt-Hopkins syndrome (PTHS). Also called: ENCEPHALOPATHY, SEVERE EPILEPTIC, WITH AUTONOMIC DYSFUNCTION; MENTAL RETARDATION, SYNDROMAL, WITH INTERMITTENT HYPERVENTILATION. Identifiers: Orphanet 2896, MedGen C1970431, MONDO:0012589, OMIM 610954.

Submissions (2):

Ambry Genetics
Classification: Uncertain significance for Inborn genetic diseases. Last evaluated: 2024-12-31. Review status: criteria provided, single submitter. Criteria: Ambry Variant Classification Scheme 2023. Collection method: clinical testing. Allele origin: germline.

Labcorp Genetics (formerly Invitae), Labcorp
Classification: Uncertain significance for Pitt-Hopkins syndrome. Last evaluated: 2022-09-06. Review status: criteria provided, single submitter. Criteria: Invitae Variant Classification Sherloc (09022015). Collection method: clinical testing. Allele origin: germline.
Comment: Algorithms developed to predict the effect of missense changes on protein structure and function are either unavailable or do not agree on the potential impact of this missense change (SIFT: "Tolerated"; PolyPhen-2: "Possibly Damaging"; Align-GVGD: "Class C0"). In summary, the available evidence is currently insufficient to determine the role of this variant in disease. Therefore, it has been classified as a Variant of Uncertain Significance. This sequence change replaces alanine, which is neutral and non-polar, with proline, which is neutral and non-polar, at codon 444 of the TCF4 protein (p.Ala444Pro). This variant is not present in population databases (gnomAD no frequency). This variant has not been reported in the literature in individuals affected with TCF4-related conditions.

NM_001083962.2(TCF4):c.1330G>C (p.Ala444Pro)

Gene: TCF4 (transcription factor 4; minus strand). Cytogenetic location: 18q21.2.
Variant type: single nucleotide variant.
Coding change: c.1330G>C on transcript NM_001083962.2 (MANE Select); coding-DNA position 1330, G replaced by C.
Protein change: p.Ala444Pro; replaces alanine 444 with proline.
Molecular consequence: missense variant.
Genome position (GRCh38, 1-based): chr18:55,254,517, C>G on the plus strand (G>C on the coding strand, the complement: TCF4 is on the minus strand). VCF-style: chr18-55254517-C-G. GRCh37 (hg19) VCF-style: chr18-52921748-C-G.
Other names: c.1636G>C, p.Ala546Pro (NM_001243226.3); c.1258G>C, p.Ala420Pro (NM_001243227.2, NM_001306207.1, NM_001369575.1 and 5 more transcripts); c.1348G>C, p.Ala450Pro (NM_001243228.2); c.1321G>C, p.Ala441Pro (NM_001243230.2); c.1204G>C, p.Ala402Pro (NM_001243231.2, NM_001348211.2); c.1117G>C, p.Ala373Pro (NM_001243232.1, NM_001306208.1); c.940G>C, p.Ala314Pro (NM_001243233.2, NM_001330605.3, NM_001348212.2 and 1 more transcripts); c.850G>C, p.Ala284Pro (NM_001243234.2, NM_001243235.2, NM_001243236.2 and 1 more transcripts); and 7 more; short protein forms A419P, A450P, A284P, A283P, A373P, A441P, A444P, A228P.
Identifiers: ClinVar variation 1974750 (VCV001974750.6), dbSNP rs2145497511, ClinGen allele CA402533263.